The following is an entry in ClinVar:

ClinVar aggregate classification (germline): Uncertain significance (1 of 4 stars; one submission).

Conditions:
Hypertrophic cardiomyopathy 1 (CMH1). Also called: MYH7-Related Familial Hypertrophic Cardiomyopathy; Familial hypertrophic cardiomyopathy 1. Identifiers: MedGen C3495498, MONDO:0008647, OMIM 192600.

gnomAD v4.1: 4 of 1,588,564 alleles (0.00025%); highest among the groups gnomAD compares: Non-Finnish European, 0.00026%; no homozygotes.

Submission:

Agnes Ginges Centre for Molecular Cardiology, Centenary Institute
Classification: Uncertain significance for Hypertrophic cardiomyopathy 1. Last evaluated: 2017-03-09. Review status: criteria provided, single submitter. Criteria: Agnes Ginges Centre for Molecular Cardiology criteria (2015). Collection method: research. Allele origin: germline. Inheritance: Autosomal dominant inheritance. Affected: yes.
Comment: NEXN Asp355His has not been previously reported in literature. The variant is absent in the 1000 genomes project, as well as the Exome Aggregation Consortium dataset. Computational tools SIFT, MutationTaster, and PolyPhen-2 predict this variant to have a deleterious effect. In summary based on this limited evidence, and the weak evidence associating NEXN with an HCM phenotype, we classify NEXN Asp355His as a variant of "uncertain significance".

NM_144573.4(NEXN):c.1063G>C (p.Asp355His)

Gene: NEXN (nexilin F-actin binding protein; plus strand). Cytogenetic location: 1p31.1.
Variant type: single nucleotide variant.
Coding change: c.1063G>C on transcript NM_144573.4 (MANE Select); coding-DNA position 1063, G replaced by C.
Protein change: p.Asp355His; replaces aspartic acid 355 with histidine.
Molecular consequence: missense variant.
Genome position (GRCh38, 1-based): chr1:77,933,291, G>C. VCF-style: chr1-77933291-G-C. GRCh37 (hg19) VCF-style: chr1-78398976-G-C.
Other names: c.871G>C, p.Asp291His (NM_001172309.2); short protein forms D355H, D291H.
Identifiers: ClinVar variation 492981 (VCV000492981.2), dbSNP rs1553239999, ClinGen allele CA340876521.